The following is an entry in ClinVar:

NM_000051.4(ATM):c.3010A>C (p.Ser1004Arg)

Gene: ATM (ATM serine/threonine kinase; plus strand). Cytogenetic location: 11q22.3.
Variant type: single nucleotide variant.
Coding change: c.3010A>C on transcript NM_000051.4 (MANE Select); coding-DNA position 3010, A replaced by C.
Protein change: p.Ser1004Arg; replaces serine 1004 with arginine.
Molecular consequence: missense variant.
Genome position (GRCh38, 1-based): chr11:108,271,339, A>C. VCF-style: chr11-108271339-A-C. GRCh37 (hg19) VCF-style: chr11-108142066-A-C.
Other names: c.3010A>C, p.Ser1004Arg (NM_001351834.2); short protein forms S1004R.
Identifiers: ClinVar variation 4616560 (VCV004616560.1).

ClinVar aggregate classification (germline): Uncertain significance (1 of 4 stars; one submission).

Conditions:
Hereditary cancer-predisposing syndrome. Also called: Neoplastic Syndromes, Hereditary; Tumor predisposition; Hereditary Cancer Syndrome; Hereditary neoplastic syndrome. Identifiers: Orphanet 140162, MedGen C0027672, MeSH D009386, MONDO:0015356.

Submission:

Ambry Genetics
Classification: Uncertain significance for Hereditary cancer-predisposing syndrome. Last evaluated: 2025-11-22. Review status: criteria provided, single submitter. Criteria: Ambry Variant Classification Scheme 2023. Collection method: clinical testing. Allele origin: germline.
Comment: The p.S1004R variant (also known as c.3010A>C), located in coding exon 19 of the ATM gene, results from an A to C substitution at nucleotide position 3010. The serine at codon 1004 is replaced by arginine, an amino acid with dissimilar properties. This amino acid position is conserved. In addition, this alteration is predicted to be tolerated by in silico analysis. Based on the available evidence, the clinical significance of this variant remains unclear.